The following is an entry in ClinVar:

NM_014014.5(SNRNP200):c.3787C>T (p.Pro1263Ser)

Gene: SNRNP200 (small nuclear ribonucleoprotein U5 subunit 200; minus strand). Cytogenetic location: 2q11.2.
Variant type: single nucleotide variant.
Coding change: c.3787C>T on transcript NM_014014.5 (MANE Select); coding-DNA position 3787, C replaced by T.
Protein change: p.Pro1263Ser; replaces proline 1263 with serine.
Molecular consequence: missense variant.
Genome position (GRCh38, 1-based): chr2:96,286,730, G>A on the plus strand (C>T on the coding strand, the complement: SNRNP200 is on the minus strand). VCF-style: chr2-96286730-G-A. GRCh37 (hg19) VCF-style: chr2-96952468-G-A.
Other names: short protein forms P1263S.
Identifiers: ClinVar variation 2122335 (VCV002122335.4), dbSNP rs1429285088, ClinGen allele CA347671272.

ClinVar aggregate classification (germline): Uncertain significance (1 of 4 stars; one submission).

Allele frequency attached by ClinVar (database versions not stated): TOPMed below 0.00001.

Submission:

Labcorp Genetics (formerly Invitae), Labcorp
Classification: Uncertain significance. Last evaluated: 2022-04-07. Review status: criteria provided, single submitter. Criteria: Invitae Variant Classification Sherloc (09022015). Collection method: clinical testing. Allele origin: germline.
Comment: Algorithms developed to predict the effect of missense changes on protein structure and function are either unavailable or do not agree on the potential impact of this missense change (SIFT: "Deleterious"; PolyPhen-2: "Probably Damaging"; Align-GVGD: "Class C0"). This variant has not been reported in the literature in individuals affected with SNRNP200-related conditions. This variant is not present in population databases (gnomAD no frequency). This sequence change replaces proline, which is neutral and non-polar, with serine, which is neutral and polar, at codon 1263 of the SNRNP200 protein (p.Pro1263Ser). In summary, the available evidence is currently insufficient to determine the role of this variant in disease. Therefore, it has been classified as a Variant of Uncertain Significance.